The following is an entry in ClinVar:

NM_013335.4(GMPPA):c.467T>C (p.Val156Ala)

Genes: ASIC4-AS1 (ASIC4 antisense RNA 1; minus strand), GMPPA (GDP-mannose pyrophosphorylase A; plus strand). Cytogenetic location: 2q35.
Variant type: single nucleotide variant.
Coding change: c.467T>C on transcript NM_013335.4 (MANE Select); coding-DNA position 467, T replaced by C.
Protein change: p.Val156Ala; replaces valine 156 with alanine.
Molecular consequence: missense variant.
Genome position (GRCh38, 1-based): chr2:219,502,419, T>C. VCF-style: chr2-219502419-T-C. GRCh37 (hg19) VCF-style: chr2-220367141-T-C.
Other names: c.467T>C, p.Val156Ala (NM_001374294.1, NM_001374295.1, NM_205847.3); short protein forms V156A.
Identifiers: ClinVar variation 1896165 (VCV001896165.5), dbSNP rs13396066, ClinGen allele CA66011148.

ClinVar aggregate classification (germline): Uncertain significance (1 of 4 stars; one submission).

Conditions:
Alacrima, achalasia, and impaired intellectual development syndrome. Also called: Alacrima, achalasia, and intellectual disability syndrome; Alacrima, achalasia, and mental retardation syndrome. Identifiers: Orphanet 869, MedGen C4706563, MONDO:0014219, OMIM 615510.

Allele frequency attached by ClinVar (database versions not stated): gnomAD 0.00001; TOPMed 0.00002; gnomAD exomes 0.00002.
gnomAD v4.1: 36 of 1,613,748 alleles (0.0022%); highest among the groups gnomAD compares: Non-Finnish European, 0.0029%; no homozygotes.

Submission:

Labcorp Genetics (formerly Invitae), Labcorp
Classification: Uncertain significance for Alacrima, achalasia, and impaired intellectual development syndrome. Last evaluated: 2022-10-11. Review status: criteria provided, single submitter. Criteria: Invitae Variant Classification Sherloc (09022015). Collection method: clinical testing. Allele origin: germline.
Comment: In summary, the available evidence is currently insufficient to determine the role of this variant in disease. Therefore, it has been classified as a Variant of Uncertain Significance. Advanced modeling of protein sequence and biophysical properties (such as structural, functional, and spatial information, amino acid conservation, physicochemical variation, residue mobility, and thermodynamic stability) performed at Invitae indicates that this missense variant is not expected to disrupt GMPPA protein function. This variant has not been reported in the literature in individuals affected with GMPPA-related conditions. This variant is not present in population databases (gnomAD no frequency). This sequence change replaces valine, which is neutral and non-polar, with alanine, which is neutral and non-polar, at codon 156 of the GMPPA protein (p.Val156Ala).